The following is an entry in ClinVar:

ClinVar aggregate classification (germline): Uncertain significance (1 of 4 stars; one submission).

Conditions:
Cataract 33. Also called: CATARACT 33, CORTICAL. Identifiers: Orphanet 91492, MedGen C3808107, MONDO:0012665, OMIM 611391.

gnomAD v4.1: 3 of 1,610,314 alleles (0.00019%); highest among the groups gnomAD compares: Admixed American, 0.0017%; no homozygotes.

Submission:

Labcorp Genetics (formerly Invitae), Labcorp
Classification: Uncertain significance for Cataract 33. Last evaluated: 2025-12-31. Review status: criteria provided, single submitter. Criteria: Invitae Variant Classification Sherloc (09022015). Collection method: clinical testing. Allele origin: germline.
Comment: This sequence change replaces isoleucine, which is neutral and non-polar, with valine, which is neutral and non-polar, at codon 202 of the BFSP1 protein (p.Ile202Val). This variant is present in population databases (no rsID available, gnomAD 0.003%). This variant has not been reported in the literature in individuals affected with BFSP1-related conditions. Invitae Evidence Modeling of protein sequence and biophysical properties (such as structural, functional, and spatial information, amino acid conservation, physicochemical variation, residue mobility, and thermodynamic stability) indicates that this missense variant is not expected to disrupt BFSP1 protein function with a negative predictive value of 80%. In summary, the available evidence is currently insufficient to determine the role of this variant in disease. Therefore, it has been classified as a Variant of Uncertain Significance.

NM_001195.5(BFSP1):c.604A>G (p.Ile202Val)

Gene: BFSP1 (beaded filament structural protein 1; minus strand). Cytogenetic location: 20p12.1.
Variant type: single nucleotide variant.
Coding change: c.604A>G on transcript NM_001195.5 (MANE Select); coding-DNA position 604, A replaced by G.
Protein change: p.Ile202Val; replaces isoleucine 202 with valine.
Molecular consequence: missense variant.
Genome position (GRCh38, 1-based): chr20:17,511,999, T>C on the plus strand (A>G on the coding strand, the complement: BFSP1 is on the minus strand). VCF-style: chr20-17511999-T-C. GRCh37 (hg19) VCF-style: chr20-17492644-T-C.
Other names: c.229A>G, p.Ile77Val (NM_001161705.2); c.187A>G, p.Ile63Val (NM_001278606.2, NM_001278608.2); c.271A>G, p.Ile91Val (NM_001278607.2); c.604A>G, p.Ile202Val (NM_001424338.1); short protein forms I63V, I202V, I91V, I77V.
Identifiers: ClinVar variation 4738124 (VCV004738124.1).